The following is an entry in ClinVar:

NM_144991.3(TSPEAR):c.82+2_82+10del

Gene: TSPEAR (thrombospondin type laminin G domain and EAR repeats; minus strand). Cytogenetic location: 21q22.3.
Variant type: Deletion.
Coding change: c.82+2_82+10del on transcript NM_144991.3 (MANE Select); the canonical splice donor site of the intron after coding-DNA position 82 through 10 bases into the intron after coding-DNA position 82, 9 bases deleted (TAAGGCAGG; older notation c.82+2_82+10delTAAGGCAGG).
Molecular consequence: splice donor variant.
Genome position (GRCh38, 1-based): chr21:44,711,423-44,711,431, CCTGCCTTA deleted on the plus strand (TAAGGCAGG on the coding strand, the reverse complement: TSPEAR is on the minus strand); deleting any 9 consecutive bases within chr21:44,711,423-44,711,435 gives the same sequence; the c. name uses the placement nearest the transcript's 3' end. VCF-style (leftmost placement, unchanged base first): chr21-44711422-CCCTGCCTTA-C. GRCh37 (hg19) VCF-style: chr21-46131337-CCCTGCCTTA-C.
Other names: c.-185+2_-185+10del (NM_001272037.2).
Identifiers: ClinVar variation 2159187 (VCV002159187.4), dbSNP rs1193643554, ClinGen allele CA638138104.

ClinVar aggregate classification (germline): Pathogenic/Likely pathogenic. Review status: criteria provided, multiple submitters, no conflicts (2 of 4 stars). 2 submissions from 2 submitters: Pathogenic (1); Likely pathogenic (1). Last evaluated 2025-06-20.

Submissions (2):

GeneDx
Classification: Likely pathogenic. Last evaluated: 2025-06-20. Review status: criteria provided, single submitter. Criteria: GeneDx Variant Classification Process June 2021. Collection method: clinical testing. Allele origin: germline. Affected: yes.
Comment: Canonical splice site variant predicted to result in a null allele in a gene for which loss of function is a known mechanism of disease; Not observed at significant frequency in large population cohorts (gnomAD); Has not been previously published as pathogenic or benign to our knowledge

Labcorp Genetics (formerly Invitae), Labcorp
Classification: Pathogenic. Last evaluated: 2025-01-15. Review status: criteria provided, single submitter. Criteria: Invitae Variant Classification Sherloc (09022015). Collection method: clinical testing. Allele origin: germline.
Comment: This sequence change affects a splice site in intron 1 of the TSPEAR gene. It is expected to disrupt RNA splicing. Variants that disrupt the donor or acceptor splice site typically lead to a loss of protein function (PMID: 16199547), and loss-of-function variants in TSPEAR are known to be pathogenic (PMID: 34042254). This variant is present in population databases (no rsID available, gnomAD 0.003%). Disruption of this splice site has been observed in individuals with clinical features of ectodermal dysplasia (internal data). ClinVar contains an entry for this variant (Variation ID: 2159187). Algorithms developed to predict the effect of sequence changes on RNA splicing suggest that this variant may disrupt the consensus splice site. For these reasons, this variant has been classified as Pathogenic.

Literature cited by the submitters: PubMed 16199547 (cited by Labcorp Genetics (formerly Invitae), Labcorp); PubMed 34042254 (cited by Labcorp Genetics (formerly Invitae), Labcorp).